The following is an entry in ClinVar:

NM_001174096.2(ZEB1):c.1903G>T (p.Ala635Ser)

Gene: ZEB1 (zinc finger E-box binding homeobox 1; plus strand). Cytogenetic location: 10p11.22.
Variant type: single nucleotide variant.
Coding change: c.1903G>T on transcript NM_001174096.2 (MANE Select); coding-DNA position 1903, G replaced by T.
Protein change: p.Ala635Ser; replaces alanine 635 with serine.
Molecular consequence: missense variant.
Genome position (GRCh38, 1-based): chr10:31,521,235, G>T. VCF-style: chr10-31521235-G-T. GRCh37 (hg19) VCF-style: chr10-31810163-G-T.
Other names: c.1852G>T, p.Ala618Ser (NM_001128128.3); c.1840G>T, p.Ala614Ser (NM_001174093.2); c.1849G>T, p.Ala617Ser (NM_001174094.2); c.1699G>T, p.Ala567Ser (NM_001174095.2); c.1246G>T, p.Ala416Ser (NM_001323638.2, NM_001323641.2, NM_001323642.2 and 27 more transcripts); c.1678G>T, p.Ala560Ser (NM_001323674.2); c.1636G>T, p.Ala546Ser (NM_001323675.2); c.1861G>T, p.Ala621Ser (NM_001323676.2); and 3 more; short protein forms A416S, A543S, A546S, A560S, A567S, A614S, A617S, A618S.
Identifiers: ClinVar variation 3033627 (VCV003033627.2), dbSNP rs2544007273, ClinGen allele CA376448855.

ClinVar aggregate classification (germline): Uncertain significance (0 of 4 stars; one submission).

Conditions:
ZEB1-related disorder. Also called: ZEB1-related condition.

Submission:

PreventionGenetics, part of Exact Sciences
Classification: Uncertain significance for ZEB1-related condition. Last evaluated: 2023-11-13. Review status: no assertion criteria provided. Collection method: clinical testing. Allele origin: germline.
Comment: The ZEB1 c.1900G>T variant is predicted to result in the amino acid substitution p.Ala634Ser. To our knowledge, this variant has not been reported in the literature or in a large population database, indicating this variant is rare. At this time, the clinical significance of this variant is uncertain due to the absence of conclusive functional and genetic evidence.